The following is an entry in ClinVar:

ClinVar aggregate classification (germline): Pathogenic/Likely pathogenic. Review status: criteria provided, multiple submitters, no conflicts (2 of 4 stars). 2 submissions from 2 submitters: Pathogenic (1); Likely pathogenic (1). Last evaluated 2026-10-05.

Conditions:
Cerebral cavernous malformation (CCM). Also called: Cavernous Hemangioma of Brain; Cerebral cavernous hemangioma (type); Cerebral cavernous malformations; CAVERNOUS ANGIOMA, FAMILIAL; CAVERNOUS ANGIOMATOUS MALFORMATIONS; CEREBRAL CAPILLARY MALFORMATIONS. Identifiers: Orphanet 221061, MedGen C2919945, MONDO:0000820, OMIM 116860, HP:0033522.

Submissions (2):

GeneDx
Classification: Pathogenic. Last evaluated: 2026-10-05. Review status: criteria provided, single submitter. Criteria: GeneDx Variant Classification Process June 2021. Collection method: clinical testing. Allele origin: germline.
Comment: Observed in a patient with familial cerebral cavernous malformations; however, detailed clinical and family history information was not provided (PMID: 38749536); Nonsense variant predicted to result in protein truncation or nonsense mediated decay in a gene for which loss of function is a known mechanism of disease; Not observed at significant frequency in large population cohorts (gnomAD); This variant is associated with the following publications: (PMID: 38749536)

Revvity Omics, Revvity
Classification: Likely pathogenic for Cerebral cavernous malformation. Last evaluated: 2022-08-23. Review status: criteria provided, single submitter. Criteria: ACMG Guidelines, 2015. Collection method: clinical testing. Allele origin: germline.

NM_194454.3(KRIT1):c.802C>T (p.Gln268Ter)

Gene: KRIT1 (KRIT1 ankyrin repeat containing; minus strand). Cytogenetic location: 7q21.2.
Variant type: single nucleotide variant.
Coding change: c.802C>T on transcript NM_194454.3 (MANE Select); coding-DNA position 802, C replaced by T.
Protein change: p.Gln268Ter; replaces glutamine 268 with a stop codon.
Molecular consequence: nonsense.
Genome position (GRCh38, 1-based): chr7:92,234,851, G>A on the plus strand (C>T on the coding strand, the complement: KRIT1 is on the minus strand). VCF-style: chr7-92234851-G-A. GRCh37 (hg19) VCF-style: chr7-91864165-G-A.
Other names: c.802C>T, p.Gln268Ter (NM_001013406.2, NM_001350669.1, NM_001350670.1 and 29 more transcripts); c.88C>T, p.Gln30Ter (NM_001350671.1); short protein forms Q268*, Q30*.
Identifiers: ClinVar variation 265602 (VCV000265602.7), dbSNP rs886039659, ClinGen allele CA10588440.